The following is an entry in ClinVar:

NM_033343.4(LHX4):c.452-5T>C

Genes: ACBD6 (acyl-CoA binding domain containing 6; minus strand), LHX4 (LIM homeobox 4; plus strand), LHX4-AS1 (LHX4 antisense RNA 1; minus strand). Cytogenetic location: 1q25.2.
Variant type: single nucleotide variant.
Coding change: c.452-5T>C on transcript NM_033343.4 (MANE Select); 5 bases into the intron before coding-DNA position 452, T replaced by C.
Molecular consequence: intron variant. On other transcripts: non-coding transcript variant (1).
Genome position (GRCh38, 1-based): chr1:180,271,375, T>C. VCF-style: chr1-180271375-T-C. GRCh37 (hg19) VCF-style: chr1-180240510-T-C.
Identifiers: ClinVar variation 293866 (VCV000293866.17), dbSNP rs2764449, ClinGen allele CA1271910.
Genomic context (GRCh38, chr1:180,271,375, plus strand): 5'-GTGTGGGAGGAGGCGCAGCTGCTGCAGATAGGCCGAAGCCAGTAAGCAGTGGTTTTTCCT[T>C]GCAGATGACTCAGAGGCTGGAGCTAAGCGGCCCCGGACCACCATCACAGCCAAGCAGCTG-3'

ClinVar aggregate classification (germline): Benign. Review status: criteria provided, multiple submitters, no conflicts (2 of 4 stars). 5 submissions from 5 submitters: Benign (5). Last evaluated 2026-05-09.

Conditions:
Short stature-pituitary and cerebellar defects-small sella turcica syndrome (CPHD4). Also called: Pituitary hormone deficiency, combined with or without cerebellar defects; Short stature, pituitary and cerebellar defects and small sella turcica. Identifiers: Orphanet 85442, MedGen C2678408, MONDO:0009880, OMIM 262700.

Allele frequency attached by ClinVar (database versions not stated): 1000 Genomes Project 30x 0.03998; ESP Exome Variant Server 0.05905; 1000 Genomes Project 0.04133; TOPMed 0.04845; gnomAD exomes 0.06577 and 0.07439; ExAC 0.06650; gnomAD 0.05703 and 0.05772.
gnomAD v4.1: 117,103 of 1,614,018 alleles (7.3%); highest among the groups gnomAD compares: South Asian, 7.9%; 4,703 homozygotes.

Submissions (5):

Women's Health and Genetics/Laboratory Corporation of America, LabCorp
Classification: Benign. Last evaluated: 2026-05-09. Review status: criteria provided, single submitter. Criteria: LabCorp Variant Classification Summary - May 2015. Collection method: clinical testing. Allele origin: germline.

Labcorp Genetics (formerly Invitae), Labcorp
Classification: Benign. Last evaluated: 2026-01-28. Review status: criteria provided, single submitter. Criteria: Invitae Variant Classification Sherloc (09022015). Collection method: clinical testing. Allele origin: germline.

GeneDx
Classification: Benign. Last evaluated: 2018-11-12. Review status: criteria provided, single submitter. Criteria: GeneDx Variant Classification Process June 2021. Collection method: clinical testing. Allele origin: germline. Affected: yes.

Illumina Laboratory Services, Illumina
Classification: Benign for Short stature-pituitary and cerebellar defects-small sella turcica syndrome. Last evaluated: 2018-01-12. Review status: criteria provided, single submitter. Criteria: ICSL Variant Classification Criteria 13 December 2019. Collection method: clinical testing. Allele origin: germline.
Comment: This variant was observed in the ICSL laboratory as part of a predisposition screen in an ostensibly healthy population. It had not been previously curated by ICSL or reported in the Human Gene Mutation Database (HGMD: prior to June 1st, 2018), and was therefore a candidate for classification through an automated scoring system. Utilizing variant allele frequency, disease prevalence and penetrance estimates, and inheritance mode, an automated score was calculated to assess if this variant is too frequent to cause the disease. Based on the score and internal cut-off values, a variant classified as benign is not then subjected to further curation. The score for this variant resulted in a classification of benign for this disease.

Breakthrough Genomics
Classification: Benign. Review status: criteria provided, single submitter. Criteria: ACMG Guidelines, 2015. Collection method: not provided. Allele origin: germline. Inheritance: Autosomal dominant inheritance. Affected: yes.